The following is an entry in ClinVar:

NM_003000.3(SDHB):c.766-177dup

Gene: SDHB (succinate dehydrogenase complex iron sulfur subunit B; minus strand). Cytogenetic location: 1p36.13.
Variant type: Duplication.
Coding change: c.766-177dup on transcript NM_003000.3 (MANE Select); 177 bases into the intron before coding-DNA position 766, one base duplicated (A; older notation c.766-177dupA).
Molecular consequence: intron variant.
Genome position (GRCh38, 1-based): chr1:17,019,130, T duplicated on the plus strand (A on the coding strand, the reverse complement: SDHB is on the minus strand); the first of 6 consecutive T bases (chr1:17,019,130-17,019,135); duplicating any one gives the same sequence. VCF-style (leftmost placement, unchanged base first): chr1-17019129-C-CT. GRCh37 (hg19) VCF-style: chr1-17345624-C-CT.
Identifiers: ClinVar variation 677081 (VCV000677081.1), dbSNP rs35456786, ClinGen allele CA18659914.
Genomic context (GRCh38, chr1:17,019,129, plus strand): 5'-GAATGCAAATCAAGTCCCTCAAAACCATAGGGGTTGGGCTAAGGGCTCTCTTCTGTCTAC[C>CT]TTTTTTAACATTTGAAGATGGTCAGCTCCCTCTGGCAAGAGCTCTGCCACGTTGAATTCC-3'

ClinVar aggregate classification (germline): Benign (1 of 4 stars; one submission).

Submission:

GeneDx
Classification: Benign. Last evaluated: 2018-06-15. Review status: criteria provided, single submitter. Criteria: GeneDx Variant Classification (06012015). Collection method: clinical testing. Allele origin: germline. Affected: yes.
Comment: This variant is considered likely benign or benign based on one or more of the following criteria: it is a conservative change, it occurs at a poorly conserved position in the protein, it is predicted to be benign by multiple in silico algorithms, and/or has population frequency not consistent with disease.